The following is an entry in ClinVar:

ClinVar aggregate classification (germline): Uncertain significance (1 of 4 stars; one submission).

Conditions:
Congenital hyperammonemia, type I. Also called: Carbamoyl phosphate synthetase I deficiency disease; Carbamoyl phosphate synthetase 1 deficiency; Hyperammonemia due to carbamoyl phosphate synthetase 1 deficiency; CPS 1 deficiency; Carbamyl phosphate synthetase (CPS) deficiency; CPS I DEFICIENCY. Identifiers: Orphanet 147, MedGen C4082171, MONDO:0009376, OMIM 237300.

gnomAD v4.1: 1 of 1,612,764 alleles (0.000062%); highest among the groups gnomAD compares: Non-Finnish European, 0.000085%; no homozygotes.

Submission:

Labcorp Genetics (formerly Invitae), Labcorp
Classification: Uncertain significance for Congenital hyperammonemia, type I. Last evaluated: 2026-01-26. Review status: criteria provided, single submitter. Criteria: Invitae Variant Classification Sherloc (09022015). Collection method: clinical testing. Allele origin: germline.
Comment: This sequence change replaces valine, which is neutral and non-polar, with isoleucine, which is neutral and non-polar, at codon 1251 of the CPS1 protein (p.Val1251Ile). This variant is present in population databases (rs752256583, gnomAD 0.0009%). This variant has not been reported in the literature in individuals affected with CPS1-related conditions. Invitae Evidence Modeling of protein sequence and biophysical properties (such as structural, functional, and spatial information, amino acid conservation, physicochemical variation, residue mobility, and thermodynamic stability) indicates that this missense variant is not expected to disrupt CPS1 protein function with a negative predictive value of 95%. In summary, the available evidence is currently insufficient to determine the role of this variant in disease. Therefore, it has been classified as a Variant of Uncertain Significance.

NM_001875.5(CPS1):c.3751G>A (p.Val1251Ile)

Gene: CPS1 (carbamoyl-phosphate synthase 1; plus strand). Cytogenetic location: 2q34.
Variant type: single nucleotide variant.
Coding change: c.3751G>A on transcript NM_001875.5 (MANE Select); coding-DNA position 3751, G replaced by A.
Protein change: p.Val1251Ile; replaces valine 1251 with isoleucine.
Molecular consequence: missense variant. On other transcripts: non-coding transcript variant (2).
Genome position (GRCh38, 1-based): chr2:210,658,683, G>A. VCF-style: chr2-210658683-G-A. GRCh37 (hg19) VCF-style: chr2-211523407-G-A.
Other names: c.3751G>A, p.Val1251Ile (NM_001122633.3, NM_001369257.1); c.3784G>A, p.Val1262Ile (NM_001369256.1); short protein forms V1262I, V1251I.
Identifiers: ClinVar variation 4739489 (VCV004739489.1).
Genomic context (GRCh38, chr2:210,658,683, plus strand): 5'-GCAAAGGCTTTTGCCATCTCTGGTCCATTCAACGTCCAATTTCTTGTCAAAGGAAATGAT[G>A]TCTTGGTAAGAAATGCCAAGGTGCCTGAGAGGACACCACCACTGTGTTACGTCATGTTGG-3'
Protein context (NP_001866.2, residues 1241-1261): NVQFLVKGND[Val1251Ile]LVIECNLRAS